The following is an entry in ClinVar:

NM_000088.4(COL1A1):c.3254G>A (p.Gly1085Asp)

Gene: COL1A1 (collagen type I alpha 1 chain; minus strand). Cytogenetic location: 17q21.33.
Variant type: single nucleotide variant.
Coding change: c.3254G>A on transcript NM_000088.4 (MANE Select); coding-DNA position 3254, G replaced by A.
Protein change: p.Gly1085Asp; replaces glycine 1085 with aspartic acid.
Molecular consequence: missense variant.
Genome position (GRCh38, 1-based): chr17:50,188,103, C>T on the plus strand (G>A on the coding strand, the complement: COL1A1 is on the minus strand). VCF-style: chr17-50188103-C-T. GRCh37 (hg19) VCF-style: chr17-48265464-C-T.
Other names: short protein forms G1085D.
Identifiers: ClinVar variation 5019433 (VCV005019433.2).

ClinVar aggregate classification (germline): Uncertain significance (1 of 4 stars; one submission).

Conditions:
Osteogenesis imperfecta, perinatal lethal (OI2). Also called: OSTEOGENESIS IMPERFECTA, TYPE II; Osteogenesis imperfecta, dominant perinatal lethal; OI, TYPE II; OSTEOGENESIS IMPERFECTA CONGENITA; Osteogenesis imperfecta type 2; VROLIK TYPE OF OSTEOGENESIS IMPERFECTA. Identifiers: Orphanet 216804, MedGen C0268358, MONDO:0008147, OMIM 166210.
Osteogenesis imperfecta type III (OI3). Also called: Osteogenesis imperfecta type 3; OI type 3; Osteogenesis imperfecta, progressively deforming with normal sclerae; OI type III; Progressively Deforming Osteogenesis Imperfecta. Identifiers: Orphanet 216812, Orphanet 666, MedGen C0268362, MONDO:0009804, OMIM 259420.
Osteogenesis imperfecta type I (OI1). Also called: OI, TYPE I; OSTEOGENESIS IMPERFECTA TARDA; OSTEOGENESIS IMPERFECTA WITH BLUE SCLERAE; Lobstein disease; Classic Non-deforming Osteogenesis Imperfecta with Blue Sclerae; Osteogenesis imperfecta type 1. Identifiers: Orphanet 216796, Orphanet 666, MedGen C0023931, MONDO:0008146, OMIM 166200. Disease mechanism: loss of function.
Ehlers-Danlos syndrome, arthrochalasia type. Also called: Ehlers-Danlos syndrome, arthrochalasis type; Ehlers-Danlos syndrome, arthrochalasia type, 1; ARTHROCHALASIS MULTIPLEX CONGENITA; EDS VII, MUTANT PROCOLLAGEN TYPE; EDS VIIA. Identifiers: Orphanet 1899, Orphanet 99875, Orphanet 99876, MedGen C4551623, MONDO:0007525, OMIM 130060.
Osteogenesis imperfecta with normal sclerae, dominant form (OI4). Also called: OSTEOGENESIS IMPERFECTA WITH NORMAL SCLERAE; Osteogenesis imperfecta type 4; OSTEOGENESIS IMPERFECTA, TYPE IV, WITH DENTINOGENESIS IMPERFECTA; Osteogenesis Imperfecta Type IV; Common Variable Osteogenesis Imperfecta with Normal Sclerae. Identifiers: Orphanet 216820, Orphanet 666, MedGen C0268363, MONDO:0008148, OMIM 166220.
Combined osteogenesis imperfecta and Ehlers-Danlos syndrome 1. Also called: OIEDS SYNDROME 1. Identifiers: MedGen C5436842, MONDO:0030854, OMIM 619115.
Osteoporosis. Identifiers: MedGen C0029456, MONDO:0005298, OMIM 166710, HP:0000939.
Infantile cortical hyperostosis. Also called: Caffey Disease; Hyperostosis, Cortical, Congenital; P1PK BLOOD GROUP SYSTEM, P(2) PHENOTYPE. Identifiers: Orphanet 1310, MedGen C0020497, MONDO:0007244, OMIM 114000.

Submission:

Juno Genomics, Hangzhou Juno Genomics, Inc
Classification: Uncertain significance for Osteoporosis; Infantile cortical hyperostosis; Combined osteogenesis imperfecta and Ehlers-Danlos syndrome 1; Ehlers-Danlos syndrome, arthrochalasia type; Osteogenesis imperfecta type I; Osteogenesis imperfecta, perinatal lethal; Osteogenesis imperfecta type III; Osteogenesis imperfecta with normal sclerae, dominant form. Review status: criteria provided, single submitter. Criteria: ACMG Guidelines, 2015. Collection method: clinical testing. Allele origin: germline.
Comment: Absent from controls (or at extremely low frequency if recessive) in Genome Aggregation Database.;Multiple lines of computational evidence support a deleterious effect on the gene or gene product.;Missense variant in a gene that has a low rate of benign missense variation.